The following is an entry in ClinVar:

NM_001040108.2(MLH3):c.2825C>T (p.Thr942Ile)

Gene: MLH3 (mutL homolog 3; minus strand). Cytogenetic location: 14q24.3.
Variant type: single nucleotide variant.
Coding change: c.2825C>T on transcript NM_001040108.2 (MANE Select); coding-DNA position 2825, C replaced by T.
Protein change: p.Thr942Ile; replaces threonine 942 with isoleucine.
Molecular consequence: missense variant.
Genome position (GRCh38, 1-based): chr14:75,046,831, G>A on the plus strand (C>T on the coding strand, the complement: MLH3 is on the minus strand). VCF-style: chr14-75046831-G-A. GRCh37 (hg19) VCF-style: chr14-75513534-G-A.
Other names: c.2825C>T, p.Thr942Ile (NM_014381.3); short protein forms T942I.
Identifiers: ClinVar variation 314382 (VCV000314382.38), dbSNP rs17102999, ClinGen allele CA7275633.
Genomic context (GRCh38, chr14:75,046,831, plus strand): 5'-TTCTCTGTTGTATTGCTGTTAGAATGTGTTTTACTATTTTTATTAAAGGAATTATCCTGT[G>A]TGGCAGAATCTGATGTTGGGATGACACCATTCTCTGTTTTTTCATGCTTGTTGTTAAATA-3'
Protein context (NP_001035197.1, residues 932-952): NGVIPTSDSA[Thr942Ile]QDNSFNKNSK

ClinVar aggregate classification (germline): Benign/Likely benign. Review status: criteria provided, multiple submitters, no conflicts (2 of 4 stars). 13 submissions from 12 submitters: Benign (9); Likely benign (2). 2 of the submissions do not count toward it. Last evaluated 2026-05-05.

Conditions:
Colorectal cancer, hereditary nonpolyposis, type 7. Identifiers: Orphanet 144, MedGen C1858380, MONDO:0013725, OMIM 614385.
Endometrial carcinoma. Also called: Endometrial carcinoma, somatic. Identifiers: MedGen C0476089, MONDO:0002447, OMIM 608089, HP:0012114.
Colorectal cancer. Also called: Malignant Colorectal Neoplasm; Colorectal cancer, somatic. Identifiers: MedGen C0346629, MONDO:0005575, OMIM 114500.
MLH3-related disorder. Also called: MLH3-related condition.

Allele frequency attached by ClinVar (database versions not stated): gnomAD exomes 0.00409 and 0.01284; TOPMed 0.01181; ExAC 0.00994; 1000 Genomes Project 0.01877; ESP Exome Variant Server 0.00108; gnomAD 0.00989 and 0.01049; 1000 Genomes Project 30x 0.02030.
gnomAD v4.1: 7,665 of 1,614,108 alleles (0.47%); highest among the groups gnomAD compares: East Asian, 5.4%; 208 homozygotes.

Submissions (13):

Myriad Genetics, Inc.
Classification: Benign for Colorectal cancer, hereditary nonpolyposis, type 7. Last evaluated: 2026-05-05. Review status: criteria provided, single submitter. Criteria: Myriad Autosomal Dominant, Autosomal Recessive and X-Linked Classification Criteria (2023). Collection method: clinical testing. Allele origin: unknown.
Comment: This variant is considered benign. This variant has been observed at a population frequency that is significantly greater than expected given the associated disease prevalence and penetrance.

Labcorp Genetics (formerly Invitae), Labcorp
Classification: Benign for Colorectal cancer, hereditary nonpolyposis, type 7. Last evaluated: 2026-02-03. Review status: criteria provided, single submitter. Criteria: Invitae Variant Classification Sherloc (09022015). Collection method: clinical testing. Allele origin: germline.

ARUP Laboratories, Molecular Genetics and Genomics, ARUP Laboratories
Classification: Benign. Last evaluated: 2025-06-19. Review status: criteria provided, single submitter. Criteria: ARUP Molecular Germline Variant Investigation Process 2024. Collection method: clinical testing. Allele origin: germline.

Center for Genomic Medicine, Rigshospitalet, Copenhagen University Hospital
Classification: Benign. Last evaluated: 2025-03-04. Review status: criteria provided, single submitter. Criteria: ACMG Guidelines, 2015. Collection method: clinical testing. Allele origin: germline.

KCCC/NGS Laboratory, Kuwait Cancer Control Center
Classification: Benign for Endometrial carcinoma. Last evaluated: 2025-02-01. Review status: criteria provided, single submitter. Criteria: ACMG Guidelines, 2015. Collection method: clinical testing. Allele origin: germline. Affected: no.

KCCC/NGS Laboratory, Kuwait Cancer Control Center
Classification: Benign for Colorectal cancer, hereditary nonpolyposis, type 7. Last evaluated: 2023-07-07. Review status: criteria provided, single submitter. Criteria: ACMG Guidelines, 2015. Collection method: clinical testing. Allele origin: germline. Affected: yes.

Department of Pathology and Laboratory Medicine, Sinai Health System
Classification: Benign for Colorectal cancer; Endometrial carcinoma; Colorectal cancer, hereditary nonpolyposis, type 7. Last evaluated: 2021-05-13. Review status: criteria provided, single submitter. Criteria: ACMG Guidelines, 2015. Collection method: clinical testing. Allele origin: germline. Affected: yes.

Ambry Genetics
Classification: Benign. Last evaluated: 2020-07-30. Review status: criteria provided, single submitter. Criteria: Ambry Variant Classification Scheme 2023. Collection method: clinical testing. Allele origin: germline.

GeneDx
Classification: Benign. Last evaluated: 2018-07-20. Review status: criteria provided, single submitter. Criteria: GeneDx Variant Classification Process June 2021. Collection method: clinical testing. Allele origin: germline. Affected: yes.
Comment: This variant is associated with the following publications: (PMID: 16885347, 24759751, 20981092)

Illumina Laboratory Services, Illumina
Classification: Likely benign for Colorectal cancer, hereditary nonpolyposis, type 7. Last evaluated: 2017-04-27. Review status: criteria provided, single submitter. Criteria: ICSL Variant Classification Criteria 13 December 2019. Collection method: clinical testing. Allele origin: germline.
Comment: This variant was observed as part of a predisposition screen in an ostensibly healthy population. A literature search was performed for the gene, cDNA change, and amino acid change (where applicable). Publications were found based on this search. The evidence from the literature, in combination with allele frequency data from public databases where available, was sufficient to determine this variant is unlikely to cause disease. Therefore, this variant is classified as likely benign.

Breakthrough Genomics
Classification: Likely benign. Review status: criteria provided, single submitter. Criteria: ACMG Guidelines, 2015. Collection method: not provided. Allele origin: germline. Inheritance: Autosomal dominant inheritance. Affected: yes.

PreventionGenetics, part of Exact Sciences
Classification: Benign for MLH3-related condition. Last evaluated: 2019-03-26. Review status: no assertion criteria provided. Collection method: clinical testing. Allele origin: germline. Not counted in ClinVar's aggregate classification.
Comment: This variant is classified as benign based on ACMG/AMP sequence variant interpretation guidelines (Richards et al. 2015 PMID: 25741868, with internal and published modifications).

Mayo Clinic Laboratories, Mayo Clinic
Classification: Benign. Review status: no assertion criteria provided. Collection method: clinical testing. Allele origin: unknown. Not counted in ClinVar's aggregate classification.

Literature cited by the submitters: PubMed 16981255 (cited by Illumina Laboratory Services, Illumina); PubMed 16885347 (cited by Illumina Laboratory Services, Illumina).